The following is an entry in ClinVar:

ClinVar aggregate classification (germline): Uncertain significance (1 of 4 stars; one submission).

Conditions:
EGFR-related lung cancer (EGFR). Identifiers: MedGen CN130014.

Submission:

Labcorp Genetics (formerly Invitae), Labcorp
Classification: Uncertain significance for EGFR-related lung cancer. Last evaluated: 2020-06-28. Review status: criteria provided, single submitter. Criteria: Invitae Variant Classification Sherloc (09022015). Collection method: clinical testing. Allele origin: germline.
Comment: In summary, the available evidence is currently insufficient to determine the role of this variant in disease. Therefore, it has been classified as a Variant of Uncertain Significance. Algorithms developed to predict the effect of missense changes on protein structure and function are either unavailable or do not agree on the potential impact of this missense change (SIFT: "Tolerated"; PolyPhen-2: "Probably Damaging"; Align-GVGD: "Class C0"). This variant has not been reported in the literature in individuals with EGFR-related conditions. This variant is not present in population databases (ExAC no frequency). This sequence change replaces serine with proline at codon 752 of the EGFR protein (p.Ser752Pro). The serine residue is moderately conserved and there is a moderate physicochemical difference between serine and proline.

NM_005228.5(EGFR):c.2254T>C (p.Ser752Pro)

Gene: EGFR (epidermal growth factor receptor; plus strand). Cytogenetic location: 7p11.2.
Variant type: single nucleotide variant.
Coding change: c.2254T>C on transcript NM_005228.5 (MANE Select); coding-DNA position 2254, T replaced by C.
Protein change: p.Ser752Pro; replaces serine 752 with proline.
Molecular consequence: missense variant.
Genome position (GRCh38, 1-based): chr7:55,174,791, T>C. VCF-style: chr7-55174791-T-C. GRCh37 (hg19) VCF-style: chr7-55242484-T-C.
Other names: c.2119T>C, p.Ser707Pro (NM_001346897.2, NM_001346899.2); c.2254T>C, p.Ser752Pro (NM_001346898.2); c.2095T>C, p.Ser699Pro (NM_001346900.2); c.1453T>C, p.Ser485Pro (NM_001346941.2); short protein forms S485P, S699P, S707P, S752P.
Identifiers: ClinVar variation 1051038 (VCV001051038.9), dbSNP rs1373423544, ClinGen allele CA367584184.